The following is an entry in ClinVar:

ClinVar aggregate classification (germline): Uncertain significance (1 of 4 stars; one submission).

Submission:

Labcorp Genetics (formerly Invitae), Labcorp
Classification: Uncertain significance. Last evaluated: 2025-03-31. Review status: criteria provided, single submitter. Criteria: Invitae Variant Classification Sherloc (09022015). Collection method: clinical testing. Allele origin: germline.
Comment: This sequence change replaces serine, which is neutral and polar, with asparagine, which is neutral and polar, at codon 1662 of the SPTBN2 protein (p.Ser1662Asn). This variant also falls at the last nucleotide of exon 24, which is part of the consensus splice site for this exon. This variant is not present in population databases (gnomAD no frequency). This variant has not been reported in the literature in individuals affected with SPTBN2-related conditions. An algorithm developed to predict the effect of missense changes on protein structure and function outputs the following: PolyPhen-2: "Benign". The asparagine amino acid residue is found in multiple mammalian species, which suggests that this missense change does not adversely affect protein function. Variants that disrupt the consensus splice site are a relatively common cause of aberrant splicing (PMID: 17576681, 9536098). Algorithms developed to predict the effect of sequence changes on RNA splicing suggest that this variant may disrupt the consensus splice site. In summary, the available evidence is currently insufficient to determine the role of this variant in disease. Therefore, it has been classified as a Variant of Uncertain Significance.

Literature cited by the submitters: PubMed 17576681; PubMed 9536098.

NM_006946.4(SPTBN2):c.4985G>A (p.Ser1662Asn)

Gene: SPTBN2 (spectrin beta, non-erythrocytic 2; minus strand). Cytogenetic location: 11q13.2.
Variant type: single nucleotide variant.
Coding change: c.4985G>A on transcript NM_006946.4 (MANE Select); coding-DNA position 4985, G replaced by A.
Protein change: p.Ser1662Asn; replaces serine 1662 with asparagine.
Molecular consequence: missense variant.
Genome position (GRCh38, 1-based): chr11:66,692,970, C>T on the plus strand (G>A on the coding strand, the complement: SPTBN2 is on the minus strand). VCF-style: chr11-66692970-C-T. GRCh37 (hg19) VCF-style: chr11-66460441-C-T.
Other names: c.5006G>A, p.Ser1669Asn (NM_001411025.1); short protein forms S1662N, S1669N.
Identifiers: ClinVar variation 3630841 (VCV003630841.2).